The following is an entry in ClinVar:

NM_007294.4(BRCA1):c.841_842dup (p.Ser281fs)

Gene: BRCA1 (BRCA1 DNA repair associated; minus strand). Cytogenetic location: 17q21.31.
Variant type: Duplication.
Coding change: c.841_842dup on transcript NM_007294.4 (MANE Select); coding-DNA positions 841 to 842, 2 bases duplicated (AG; older notation c.841_842dupAG).
Protein change: p.Ser281fs; shifts the reading frame from serine 281.
Molecular consequence: frameshift variant. On other transcripts: 5 prime UTR variant (2), intron variant (137).
Genome position (GRCh38, 1-based): chr17:43,094,689-43,094,690, CT duplicated on the plus strand (AG on the coding strand, the reverse complement: BRCA1 is on the minus strand). VCF-style (leftmost placement, unchanged base first): chr17-43094688-G-GCT. GRCh37 (hg19) VCF-style: chr17-41246705-G-GCT.
Other names: 961insAG; c.841_842dupAG (NM_007294.3); c.628_629dup, p.Ser210fs (NM_001407571.1, NM_001407898.1, NM_001407899.1 and 9 more transcripts); c.841_842dup, p.Ser281fs (NM_001407581.1, NM_001407582.1, NM_001407583.1 and 30 more transcripts); c.838_839dup, p.Ser280fs (NM_001407587.1, NM_001407590.1, NM_001407591.1 and 22 more transcripts); c.763_764dup, p.Ser255fs (NM_001407655.1, NM_001407656.1, NM_001407657.1 and 4 more transcripts); c.760_761dup, p.Ser254fs (NM_001407659.1, NM_001407660.1, NM_001407661.1 and 1 more transcripts); c.715_716dup, p.Ser239fs (NM_001407673.1, NM_001407691.1, NM_001407941.1 and 11 more transcripts); and 42 more; short protein forms S234fs, S281fs, S113fs, S153fs, S154fs, S170fs, S192fs, S213fs.
Identifiers: ClinVar variation 254381 (VCV000254381.5), dbSNP rs80357792, ClinGen allele CA003934.

ClinVar aggregate classification (germline): Pathogenic. Review status: reviewed by expert panel (3 of 4 stars). 3 submissions from 3 submitters: Pathogenic (1). 2 of the submissions do not count toward it. Last evaluated 2016-09-08.

Conditions:
Breast-ovarian cancer, familial, susceptibility to, 1 (BROVCA1). Also called: BRCA1 Hereditary Breast and Ovarian Cancer; OVARIAN CANCER, SUSCEPTIBILITY TO. Identifiers: Orphanet 145, MedGen C2676676, MONDO:0011450, OMIM 604370. Disease mechanism: loss of function.

Submissions (3):

Evidence-based Network for the Interpretation of Germline Mutant Alleles (ENIGMA)
Classification: Pathogenic for Breast-ovarian cancer, familial, susceptibility to, 1. Last evaluated: 2016-09-08. Review status: reviewed by expert panel. Criteria: ENIGMA BRCA1/2 Classification Criteria (2015). Collection method: curation. Allele origin: germline.
Comment: Variant allele predicted to encode a truncated non-functional protein.

Consortium of Investigators of Modifiers of BRCA1/2 (CIMBA), c/o University of Cambridge
Classification: Pathogenic for Breast-ovarian cancer, familial, susceptibility to, 1. Last evaluated: 2015-10-02. Review status: criteria provided, single submitter. Criteria: CIMBA Mutation Classification guidelines May 2016. Collection method: clinical testing. Allele origin: germline. Not counted in ClinVar's aggregate classification.

Breast Cancer Information Core (BIC) (BRCA1)
Classification: Pathogenic for Breast-ovarian cancer, familial 1. Last evaluated: 2004-03-30. Review status: no assertion criteria provided. Collection method: clinical testing. Allele origin: germline. Affected: yes. Observed: 1 variant allele. Not counted in ClinVar's aggregate classification.